The following is an entry in ClinVar:

ClinVar aggregate classification (germline): Likely benign (1 of 4 stars; one submission).

Allele frequency attached by ClinVar (database versions not stated): 1000 Genomes Project 0.00060; 1000 Genomes Project 30x 0.00062; gnomAD 0.00117; gnomAD exomes 0.00338.

Submission:

CeGaT Center for Human Genetics Tuebingen
Classification: Likely benign. Last evaluated: 2023-06-01. Review status: criteria provided, single submitter. Criteria: CeGaT Center For Human Genetics Tuebingen Variant Classification Criteria Version 2. Collection method: clinical testing. Allele origin: germline. Affected: yes. Observed: 12 variant alleles.
Comment: GATAD2B: BS1

NC_000001.11:g.153800250G>A

Gene: GATAD2B (GATA zinc finger domain containing 2B; minus strand). Cytogenetic location: 1q21.3.
Variant type: single nucleotide variant.
Genome position: GRCh38 VCF-style: chr1-153800250-G-A. GRCh37 (hg19) VCF-style: chr1-153772726-G-A.
Identifiers: ClinVar variation 2639361 (VCV002639361.24), dbSNP rs148087091, ClinGen allele CA30746842.